The following is an entry in ClinVar:

ClinVar aggregate classification (germline): Uncertain significance (1 of 4 stars; one submission).

Allele frequency attached by ClinVar (database versions not stated): gnomAD exomes below 0.00001.
gnomAD v4.1: 1 of 1,614,246 alleles (0.000062%); highest among the groups gnomAD compares: Non-Finnish European, 0.000085%; no homozygotes.

Submission:

Labcorp Genetics (formerly Invitae), Labcorp
Classification: Uncertain significance. Last evaluated: 2021-12-22. Review status: criteria provided, single submitter. Criteria: Invitae Variant Classification Sherloc (09022015). Collection method: clinical testing. Allele origin: germline.
Comment: This sequence change replaces serine, which is neutral and polar, with glycine, which is neutral and non-polar, at codon 1173 of the GPR179 protein (p.Ser1173Gly). This variant is not present in population databases (gnomAD no frequency). This variant has not been reported in the literature in individuals affected with GPR179-related conditions. Algorithms developed to predict the effect of missense changes on protein structure and function output the following: SIFT: "Deleterious"; PolyPhen-2: "Benign"; Align-GVGD: "Class C0". The glycine amino acid residue is found in multiple mammalian species, which suggests that this missense change does not adversely affect protein function. In summary, the available evidence is currently insufficient to determine the role of this variant in disease. Therefore, it has been classified as a Variant of Uncertain Significance.

NM_001004334.4(GPR179):c.3517A>G (p.Ser1173Gly)

Gene: GPR179 (G protein-coupled receptor 179; minus strand). Cytogenetic location: 17q12.
Variant type: single nucleotide variant.
Coding change: c.3517A>G on transcript NM_001004334.4 (MANE Select); coding-DNA position 3517, A replaced by G.
Protein change: p.Ser1173Gly; replaces serine 1173 with glycine.
Molecular consequence: missense variant.
Genome position (GRCh38, 1-based): chr17:38,330,052, T>C on the plus strand (A>G on the coding strand, the complement: GPR179 is on the minus strand). VCF-style: chr17-38330052-T-C. GRCh37 (hg19) VCF-style: chr17-36485935-T-C.
Other names: short protein forms S1173G.
Identifiers: ClinVar variation 1917522 (VCV001917522.5), dbSNP rs2037337327, ClinGen allele CA398879480.